The following is an entry in ClinVar:

ClinVar aggregate classification (germline): Uncertain significance. Review status: criteria provided, multiple submitters, no conflicts (2 of 4 stars). 3 submissions from 3 submitters: Uncertain significance (3). Last evaluated 2025-01-07.

Conditions:
Syndromic multisystem autoimmune disease due to ITCH deficiency. Also called: AUTOIMMUNE DISEASE, MULTISYSTEM, WITH FACIAL DYSMORPHISM. Identifiers: Orphanet 228426, MedGen C3150649, MONDO:0013245, OMIM 613385.
Inborn genetic diseases. Identifiers: MedGen C0950123, MeSH D030342.

Allele frequency attached by ClinVar (database versions not stated): ExAC 0.00002; gnomAD exomes 0.00004; gnomAD 0.00005 and 0.00028; ESP Exome Variant Server 0.00008; TOPMed 0.00029.
gnomAD v4.1: 91 of 1,611,184 alleles (0.0056%); highest among the groups gnomAD compares: East Asian, 0.011%; 1 homozygote.

Submissions (3):

Labcorp Genetics (formerly Invitae), Labcorp
Classification: Uncertain significance for Syndromic multisystem autoimmune disease due to ITCH deficiency. Last evaluated: 2025-01-07. Review status: criteria provided, single submitter. Criteria: Invitae Variant Classification Sherloc (09022015). Collection method: clinical testing. Allele origin: germline.
Comment: This sequence change replaces asparagine, which is neutral and polar, with serine, which is neutral and polar, at codon 230 of the ITCH protein (p.Asn230Ser). This variant is present in population databases (rs371132495, gnomAD 0.02%). This variant has not been reported in the literature in individuals affected with ITCH-related conditions. ClinVar contains an entry for this variant (Variation ID: 998837). An algorithm developed to predict the effect of missense changes on protein structure and function (PolyPhen-2) suggests that this variant¬†is likely to be tolerated. In summary, the available evidence is currently insufficient to determine the role of this variant in disease. Therefore, it has been classified as a Variant of Uncertain Significance.

Ambry Genetics
Classification: Uncertain significance for Inborn genetic diseases. Last evaluated: 2023-01-06. Review status: criteria provided, single submitter. Criteria: Ambry Variant Classification Scheme 2023. Collection method: clinical testing. Allele origin: germline.

Genetic Services Laboratory, University of Chicago
Classification: Uncertain significance. Last evaluated: 2021-12-21. Review status: criteria provided, single submitter. Criteria: ACMG Guidelines, 2015. Collection method: clinical testing. Allele origin: germline. Affected: no.
Comment: DNA sequence analysis of the ITCH gene demonstrated a sequence change, c.689A>G, in exon 9 that results in an amino acid change, p.Asn230Ser. This sequence change has been described in the gnomAD database with a frequency of 0.02% in the East Asian subpopulation (dbSNP rs371132495). The p.Asn230Ser change affects a poorly conserved amino acid residue located in a domain of the ITCH protein that is not known to be functional. The p.Asn230Ser substitution appears to be benign using several in-silico pathogenicity prediction tools (SIFT, PolyPhen2, Align GVGD, REVEL). This sequence change does not appear to have been previously described in individuals with ITCH-related disorders. Due to insufficient evidences and the lack of functional studies, the clinical significance of the p.Asn230Ser change remains unknown at this time.

NM_031483.7(ITCH):c.689A>G (p.Asn230Ser)

Gene: ITCH (itchy E3 ubiquitin protein ligase; plus strand). Cytogenetic location: 20q11.22.
Variant type: single nucleotide variant.
Coding change: c.689A>G on transcript NM_031483.7 (MANE Select); coding-DNA position 689, A replaced by G.
Protein change: p.Asn230Ser; replaces asparagine 230 with serine.
Molecular consequence: missense variant.
Genome position (GRCh38, 1-based): chr20:34,440,164, A>G. VCF-style: chr20-34440164-A-G. GRCh37 (hg19) VCF-style: chr20-33027969-A-G.
Other names: c.812A>G, p.Asn271Ser (NM_001257137.3, NM_001324197.2); c.359A>G, p.Asn120Ser (NM_001257138.3); c.689A>G, p.Asn230Ser (NM_001324198.2); c.689A>G (NM_031483.4); short protein forms N120S, N230S, N271S.
Identifiers: ClinVar variation 998837 (VCV000998837.9), dbSNP rs371132495, ClinGen allele CA9821412.
Genomic context (GRCh38, chr20:34,440,164, plus strand): 5'-AATTTTAGAAAATGAAAGATTCTTTTCCTATTTTCCCCAAATCTTTTATAGCATCTGTCA[A>G]TGGTTCACCATCTGCCACTTCTGAAAGTGATGGGTCTAGTACAGGCTCTCTGCCGCCGAC-3'
Protein context (NP_113671.3, residues 220-240): PPTPRRPASV[Asn230Ser]GSPSATSESD